The following is an entry in ClinVar:

NM_001256789.3(CACNA1F):c.5171C>T (p.Ser1724Phe)

Gene: CACNA1F (calcium voltage-gated channel subunit alpha1 F; minus strand). Cytogenetic location: Xp11.23.
Variant type: single nucleotide variant.
Coding change: c.5171C>T on transcript NM_001256789.3 (MANE Select); coding-DNA position 5171, C replaced by T.
Protein change: p.Ser1724Phe; replaces serine 1724 with phenylalanine.
Molecular consequence: missense variant.
Genome position (GRCh38, 1-based): chrX:49,207,065, G>A on the plus strand (C>T on the coding strand, the complement: CACNA1F is on the minus strand). VCF-style: chrX-49207065-G-A. GRCh37 (hg19) VCF-style: chrX-49063526-G-A.
Other names: c.5009C>T, p.Ser1670Phe (NM_001256790.3); c.5204C>T, p.Ser1735Phe (NM_005183.4); short protein forms S1670F, S1735F, S1724F.
Identifiers: ClinVar variation 1391302 (VCV001391302.6), dbSNP rs373546782, ClinGen allele CA10410028.

ClinVar aggregate classification (germline): Uncertain significance (1 of 4 stars; one submission).

Allele frequency attached by ClinVar (database versions not stated): gnomAD exomes 0.00007 and 0.00013; gnomAD 0.00009; ExAC 0.00011; TOPMed 0.00011; ESP Exome Variant Server 0.00019.
gnomAD v4.1: 149 of 1,201,139 alleles (0.012%); highest among the groups gnomAD compares: Non-Finnish European, 0.016%; no homozygotes.

Submission:

Labcorp Genetics (formerly Invitae), Labcorp
Classification: Uncertain significance. Last evaluated: 2025-10-24. Review status: criteria provided, single submitter. Criteria: Invitae Variant Classification Sherloc (09022015). Collection method: clinical testing. Allele origin: germline.
Comment: This sequence change replaces serine, which is neutral and polar, with phenylalanine, which is neutral and non-polar, at codon 1735 of the CACNA1F protein (p.Ser1735Phe). This variant is present in population databases (rs373546782, gnomAD 0.01%), and has an allele count higher than expected for a pathogenic variant. This variant has not been reported in the literature in individuals affected with CACNA1F-related conditions. ClinVar contains an entry for this variant (Variation ID: 1391302). An algorithm developed to predict the effect of missense changes on protein structure and function outputs the following: PolyPhen-2: "Benign". The phenylalanine amino acid residue is found in multiple mammalian species, which suggests that this missense change does not adversely affect protein function. In summary, the available evidence is currently insufficient to determine the role of this variant in disease. Therefore, it has been classified as a Variant of Uncertain Significance.